The following is an entry in ClinVar:

NM_001267550.2(TTN):c.5113T>C (p.Phe1705Leu)

Gene: TTN (titin; minus strand). Cytogenetic location: 2q31.2.
Variant type: single nucleotide variant.
Coding change: c.5113T>C on transcript NM_001267550.2 (MANE Select); coding-DNA position 5113, T replaced by C.
Protein change: p.Phe1705Leu; replaces phenylalanine 1705 with leucine.
Molecular consequence: missense variant.
Genome position (GRCh38, 1-based): chr2:178,776,751, A>G on the plus strand (T>C on the coding strand, the complement: TTN is on the minus strand). VCF-style: chr2-178776751-A-G. GRCh37 (hg19) VCF-style: chr2-179641478-A-G.
Other names: c.5113T>C, p.Phe1705Leu (NM_001256850.1, NM_133378.4, NM_133379.5); c.4975T>C, p.Phe1659Leu (NM_003319.4, NM_133432.3, NM_133437.4); short protein forms F1659L, F1705L.
Identifiers: ClinVar variation 2691085 (VCV002691085.2), dbSNP rs2092267612, ClinGen allele CA349456343.

ClinVar aggregate classification (germline): Conflicting classifications of pathogenicity. Review status: criteria provided, conflicting classifications (1 of 4 stars). 2 submissions from 2 submitters: Uncertain significance (1); Likely benign (1). Last evaluated 2024-09-03.

Conditions:
Cardiomyopathy (CMYO). Also called: Cardiomyopathies. Identifiers: Orphanet 167848, MedGen C0878544, MONDO:0004994, HP:0001638. Inheritance: Various modes of inheritance.

Allele frequency attached by ClinVar (database versions not stated): gnomAD exomes 0.00002.
gnomAD v4.1: 23 of 1,614,084 alleles (0.0014%); highest among the groups gnomAD compares: Non-Finnish European, 0.0019%; no homozygotes.

Submissions (2):

GeneDx
Classification: Uncertain significance. Last evaluated: 2024-09-03. Review status: criteria provided, single submitter. Criteria: GeneDx Variant Classification Process June 2021. Collection method: clinical testing. Allele origin: germline. Affected: yes.
Comment: Not observed at significant frequency in large population cohorts (gnomAD); Missense variant in a gene in which most reported pathogenic variants are truncating/loss of function; Has not been previously published as pathogenic or benign to our knowledge

CHEO Genetics Diagnostic Laboratory, Children's Hospital of Eastern Ontario
Classification: Likely benign for Cardiomyopathy. Last evaluated: 2022-11-16. Review status: criteria provided, single submitter. Criteria: ACMG Guidelines, 2015. Collection method: clinical testing. Allele origin: germline.